The following is an entry in ClinVar:

NM_001184.4(ATR):c.4858A>G (p.Thr1620Ala)

Gene: ATR (ATR checkpoint kinase; minus strand). Cytogenetic location: 3q23.
Variant type: single nucleotide variant.
Coding change: c.4858A>G on transcript NM_001184.4 (MANE Select); coding-DNA position 4858, A replaced by G.
Protein change: p.Thr1620Ala; replaces threonine 1620 with alanine.
Molecular consequence: missense variant.
Genome position (GRCh38, 1-based): chr3:142,508,104, T>C on the plus strand (A>G on the coding strand, the complement: ATR is on the minus strand). VCF-style: chr3-142508104-T-C. GRCh37 (hg19) VCF-style: chr3-142226946-T-C.
Other names: c.4666A>G, p.Thr1556Ala (NM_001354579.2); short protein forms T1620A, T1556A.
Identifiers: ClinVar variation 1743605 (VCV001743605.2), dbSNP rs1388237726, ClinGen allele CA354821051.
Genomic context (GRCh38, chr3:142,508,104, plus strand): 5'-TATCCTGGGGTATGAGGTCTAGAAAACGGGTTACACTCTGATAGTCTTCATAATCCACAG[T>C]AGATACTAGATCATAAAAAAAGTTGAGTAATTAAAGACTTATAAGATAAAATTTAAAAGT-3'
Protein context (NP_001175.2, residues 1610-1630): NRNKVDSMVS[Thr1620Ala]VDYEDYQSVT

ClinVar aggregate classification (germline): Uncertain significance (1 of 4 stars; one submission).

Conditions:
Inborn genetic diseases. Identifiers: MedGen C0950123, MeSH D030342.

Submission:

Ambry Genetics
Classification: Uncertain significance for Inborn genetic diseases. Last evaluated: 2022-07-20. Review status: criteria provided, single submitter. Criteria: Ambry Variant Classification Scheme 2023. Collection method: clinical testing. Allele origin: germline.
Comment: The p.T1620A variant (also known as c.4858A>G), located in coding exon 28 of the ATR gene, results from an A to G substitution at nucleotide position 4858. The threonine at codon 1620 is replaced by alanine, an amino acid with similar properties. This amino acid position is conserved. In addition, this alteration is predicted to be tolerated by in silico analysis. Since supporting evidence is limited at this time, the clinical significance of this alteration remains unclear.